The following is an entry in ClinVar:

ClinVar aggregate classification (germline): Uncertain significance (1 of 4 stars; one submission).

Conditions:
Hereditary cancer-predisposing syndrome. Also called: Neoplastic Syndromes, Hereditary; Tumor predisposition; Hereditary neoplastic syndrome; Hereditary Cancer Syndrome. Identifiers: Orphanet 140162, MedGen C0027672, MeSH D009386, MONDO:0015356.

Submission:

Ambry Genetics
Classification: Uncertain significance for Hereditary cancer-predisposing syndrome. Last evaluated: 2024-03-09. Review status: criteria provided, single submitter. Criteria: Ambry Variant Classification Scheme 2023. Collection method: clinical testing. Allele origin: germline.
Comment: The p.A183G variant (also known as c.548C>G), located in coding exon 3 of the TMEM127 gene, results from a C to G substitution at nucleotide position 548. The alanine at codon 183 is replaced by glycine, an amino acid with similar properties. This amino acid position is conserved. In addition, this alteration is predicted to be deleterious by in silico analysis. Based on the available evidence, the clinical significance of this alteration remains unclear.

NM_017849.4(TMEM127):c.548C>G (p.Ala183Gly)

Gene: TMEM127 (transmembrane protein 127; minus strand). Cytogenetic location: 2q11.2.
Variant type: single nucleotide variant.
Coding change: c.548C>G on transcript NM_017849.4 (MANE Select); coding-DNA position 548, C replaced by G.
Protein change: p.Ala183Gly; replaces alanine 183 with glycine.
Molecular consequence: missense variant.
Genome position (GRCh38, 1-based): chr2:96,253,977, G>C on the plus strand (C>G on the coding strand, the complement: TMEM127 is on the minus strand). VCF-style: chr2-96253977-G-C. GRCh37 (hg19) VCF-style: chr2-96919715-G-C.
Other names: c.548C>G, p.Ala183Gly (NM_001193304.3); c.296C>G, p.Ala99Gly (NM_001407282.1, NM_001407283.1); short protein forms A183G, A99G.
Identifiers: ClinVar variation 3227086 (VCV003227086.1), dbSNP rs2104284235, ClinGen allele CA347652394.